The following is an entry in ClinVar:

ClinVar aggregate classification (germline): Conflicting classifications of pathogenicity. Review status: criteria provided, conflicting classifications (1 of 4 stars). 4 submissions from 4 submitters: Uncertain significance (2); Likely benign (2). Last evaluated 2025-05-12.

Conditions:
Inborn genetic diseases. Identifiers: MedGen C0950123, MeSH D030342.

Allele frequency attached by ClinVar (database versions not stated): TOPMed 0.00001; ExAC 0.00002; gnomAD 0.00002; gnomAD exomes 0.00002 and 0.00003.

Submissions (4):

Women's Health and Genetics/Laboratory Corporation of America, LabCorp
Classification: Uncertain significance. Last evaluated: 2025-05-12. Review status: criteria provided, single submitter. Criteria: LabCorp Variant Classification Summary - May 2015. Collection method: clinical testing. Allele origin: germline.
Comment: Variant summary: SRCAP c.8035G>A (p.Glu2679Lys) results in a conservative amino acid change in the encoded protein sequence. Algorithms developed to predict the effect of missense changes on protein structure and function are either unavailable or do not agree on the potential impact of this missense change. The variant allele was found at a frequency of 7.5e-06 in 1607032 control chromosomes, predominantly at a frequency of 0.00017 within the Latino subpopulation in the gnomAD database (v4.1). The occurrence in several controls suggests that this variant is likely not associated with a high penetrance, severe, early onset disease phenotype in heterozygous state. To our knowledge, no occurrence of c.8035G>A in individuals affected with Floating-Harbor Syndrome and no experimental evidence demonstrating its impact on protein function have been reported. ClinVar contains an entry for this variant (Variation ID: 284713). Based on the evidence outlined above, the variant was classified as VUS-possibly benign.

Ambry Genetics
Classification: Likely benign for Inborn genetic diseases. Last evaluated: 2025-01-18. Review status: criteria provided, single submitter. Criteria: Ambry Variant Classification Scheme 2023. Collection method: clinical testing. Allele origin: germline.

Labcorp Genetics (formerly Invitae), Labcorp
Classification: Uncertain significance. Last evaluated: 2024-09-16. Review status: criteria provided, single submitter. Criteria: Invitae Variant Classification Sherloc (09022015). Collection method: clinical testing. Allele origin: germline.
Comment: This sequence change replaces glutamic acid, which is acidic and polar, with lysine, which is basic and polar, at codon 2679 of the SRCAP protein (p.Glu2679Lys). This variant is present in population databases (rs765033647, gnomAD 0.03%). This variant has not been reported in the literature in individuals affected with SRCAP-related conditions. ClinVar contains an entry for this variant (Variation ID: 284713). Invitae Evidence Modeling of protein sequence and biophysical properties (such as structural, functional, and spatial information, amino acid conservation, physicochemical variation, residue mobility, and thermodynamic stability) indicates that this missense variant is not expected to disrupt SRCAP protein function with a negative predictive value of 80%. In summary, the available evidence is currently insufficient to determine the role of this variant in disease. Therefore, it has been classified as a Variant of Uncertain Significance.

Eurofins Ntd Llc (ga)
Classification: Likely benign. Last evaluated: 2015-11-19. Review status: criteria provided, single submitter. Criteria: EGL Classification Definitions 2015. Collection method: clinical testing. Allele origin: germline. Observed: 2 variant alleles, 2 heterozygotes.

NM_006662.3(SRCAP):c.8035G>A (p.Glu2679Lys)

Gene: SRCAP (Snf2 related CREBBP activator protein; plus strand). Cytogenetic location: 16p11.2.
Variant type: single nucleotide variant.
Coding change: c.8035G>A on transcript NM_006662.3 (MANE Select); coding-DNA position 8035, G replaced by A.
Protein change: p.Glu2679Lys; replaces glutamic acid 2679 with lysine.
Molecular consequence: missense variant.
Genome position (GRCh38, 1-based): chr16:30,738,075, G>A. VCF-style: chr16-30738075-G-A. GRCh37 (hg19) VCF-style: chr16-30749396-G-A.
Other names: c.8035G>A (NM_006662.2); short protein forms E2679K.
Identifiers: ClinVar variation 284713 (VCV000284713.12), dbSNP rs765033647, ClinGen allele CA8012602.